The following is an entry in ClinVar:

NM_002474.3(MYH11):c.3090C>T (p.Asn1030=)

Gene: MYH11 (myosin heavy chain 11; minus strand). Cytogenetic location: 16p13.11.
Variant type: single nucleotide variant.
Coding change: c.3090C>T on transcript NM_002474.3 (MANE Select); coding-DNA position 3090, C replaced by T.
Protein change: p.Asn1030=; no amino-acid change (asparagine 1030 retained).
Molecular consequence: synonymous variant.
Genome position (GRCh38, 1-based): chr16:15,738,596, G>A on the plus strand (C>T on the coding strand, the complement: MYH11 is on the minus strand). VCF-style: chr16-15738596-G-A. GRCh37 (hg19) VCF-style: chr16-15832453-G-A.
Other names: c.3111C>T, p.Asn1037= (NM_001040113.2, NM_001040114.2); c.3090C>T, p.Asn1030= (NM_022844.3); c.3090C>T (NM_002474.2).
Identifiers: ClinVar variation 2728847 (VCV002728847.5), dbSNP rs772406779, ClinGen allele CA7922098.

ClinVar aggregate classification (germline): Likely benign. Review status: criteria provided, multiple submitters, no conflicts (2 of 4 stars). 3 submissions from 3 submitters: Likely benign (3). Last evaluated 2024-09-30.

Conditions:
Familial thoracic aortic aneurysm and aortic dissection (TAAD). Also called: Thoracic aortic aneurysms and dissections. Identifiers: Orphanet 91387, MedGen C4707243, MONDO:0019625.
Aortic aneurysm, familial thoracic 4 (AAT4). Also called: AORTIC ANEURYSM/AORTIC DISSECTION AND PATENT DUCTUS ARTERIOSUS. Identifiers: MedGen C1851504, MONDO:0007568, OMIM 132900.

Allele frequency attached by ClinVar (database versions not stated): gnomAD exomes below 0.00001; gnomAD 0.00001; ExAC 0.00002; TOPMed 0.00002.
gnomAD v4.1: 9 of 1,613,838 alleles (0.00056%); highest among the groups gnomAD compares: African/African-American, 0.004%; no homozygotes.

Submissions (3):

Ambry Genetics
Classification: Likely benign for Familial thoracic aortic aneurysm and aortic dissection. Last evaluated: 2024-09-30. Review status: criteria provided, single submitter. Criteria: Ambry Variant Classification Scheme 2023. Collection method: clinical testing. Allele origin: germline.

All of Us Research Program, National Institutes of Health
Classification: Likely benign for Familial thoracic aortic aneurysm and aortic dissection. Last evaluated: 2024-02-05. Review status: criteria provided, single submitter. Criteria: ACMG Guidelines, 2015. Collection method: clinical testing. Allele origin: germline. Inheritance: Autosomal dominant inheritance. Observed: 3 variant alleles, 3 heterozygotes.
Comment: This study involves interpretation of variants in research participants for the purpose of population health screening. Participant phenotype was not available at the time of variant classification. Additional details can be found in publication PMID: 35346344, PMCID: PMC8962531

Labcorp Genetics (formerly Invitae), Labcorp
Classification: Likely benign for Aortic aneurysm, familial thoracic 4. Last evaluated: 2023-09-22. Review status: criteria provided, single submitter. Criteria: Invitae Variant Classification Sherloc (09022015). Collection method: clinical testing. Allele origin: germline.